The following is an entry in ClinVar:

NM_006019.4(TCIRG1):c.2290C>T (p.Arg764Trp)

Gene: TCIRG1 (T cell immune regulator 1, ATPase H+ transporting V0 subunit a3; plus strand). Cytogenetic location: 11q13.2.
Variant type: single nucleotide variant.
Coding change: c.2290C>T on transcript NM_006019.4 (MANE Select); coding-DNA position 2290, C replaced by T.
Protein change: p.Arg764Trp; replaces arginine 764 with tryptophan.
Molecular consequence: missense variant.
Genome position (GRCh38, 1-based): chr11:68,050,540, C>T. VCF-style: chr11-68050540-C-T. GRCh37 (hg19) VCF-style: chr11-67818007-C-T.
Other names: c.1396C>T, p.Arg466Trp (NM_001351059.2); c.1642C>T, p.Arg548Trp (NM_006053.4); short protein forms R548W, R764W, R466W.
Identifiers: ClinVar variation 3325023 (VCV003325023.3).

ClinVar aggregate classification (germline): Uncertain significance. Review status: criteria provided, multiple submitters, no conflicts (2 of 4 stars). 3 submissions from 3 submitters: Uncertain significance (2). 1 of the submissions does not count toward it. Last evaluated 2025-11-28.

Conditions:
Inborn genetic diseases. Identifiers: MedGen C0950123, MeSH D030342.
TCIRG1-related disorder. Also called: TCIRG1-related condition.

Submissions (3):

Labcorp Genetics (formerly Invitae), Labcorp
Classification: Uncertain significance. Last evaluated: 2025-11-28. Review status: criteria provided, single submitter. Criteria: Invitae Variant Classification Sherloc (09022015). Collection method: clinical testing. Allele origin: germline.
Comment: This sequence change replaces arginine, which is basic and polar, with tryptophan, which is neutral and slightly polar, at codon 764 of the TCIRG1 protein (p.Arg764Trp). This variant is present in population databases (rs374229841, gnomAD 0.007%). This variant has not been reported in the literature in individuals affected with TCIRG1-related conditions. ClinVar contains an entry for this variant (Variation ID: 3325023). Invitae Evidence Modeling of protein sequence and biophysical properties (such as structural, functional, and spatial information, amino acid conservation, physicochemical variation, residue mobility, and thermodynamic stability) indicates that this missense variant is expected to disrupt TCIRG1 protein function with a positive predictive value of 80%. In summary, the available evidence is currently insufficient to determine the role of this variant in disease. Therefore, it has been classified as a Variant of Uncertain Significance.

Ambry Genetics
Classification: Uncertain significance for Inborn genetic diseases. Last evaluated: 2024-05-15. Review status: criteria provided, single submitter. Criteria: Ambry Variant Classification Scheme 2023. Collection method: clinical testing. Allele origin: germline.

PreventionGenetics, part of Exact Sciences
Classification: Uncertain significance for TCIRG1-related condition. Last evaluated: 2024-05-07. Review status: no assertion criteria provided. Collection method: clinical testing. Allele origin: germline. Not counted in ClinVar's aggregate classification.
Comment: The TCIRG1 c.2290C>T variant is predicted to result in the amino acid substitution p.Arg764Trp. To our knowledge, this variant has not been reported in the literature. This variant is reported in 0.0062% of alleles in individuals of African descent in gnomAD, which is likely too common to be associated with autosomal dominant TCIRG1-related disease. At this time, the clinical significance of this variant is uncertain due to the absence of conclusive functional and genetic evidence.